The following is an entry in ClinVar:

ClinVar aggregate classification (germline): Uncertain significance (1 of 4 stars; one submission).

Submission:

Greenwood Genetic Center Diagnostic Laboratories, Greenwood Genetic Center
Classification: Uncertain significance. Last evaluated: 2025-05-30. Review status: criteria provided, single submitter. Criteria: ACMG Guidelines, 2015. Collection method: clinical testing. Allele origin: germline. Affected: yes.
Comment: PM2, PP2

NM_005157.6(ABL1):c.1384G>C (p.Glu462Gln)

Gene: ABL1 (ABL proto-oncogene 1, non-receptor tyrosine kinase; plus strand). Cytogenetic location: 9q34.12.
Variant type: single nucleotide variant.
Coding change: c.1384G>C on transcript NM_005157.6 (MANE Select); coding-DNA position 1384, G replaced by C.
Protein change: p.Glu462Gln; replaces glutamic acid 462 with glutamine.
Molecular consequence: missense variant.
Genome position (GRCh38, 1-based): chr9:130,878,528, G>C. VCF-style: chr9-130878528-G-C. GRCh37 (hg19) VCF-style: chr9-133753915-G-C.
Other names: c.1441G>C, p.Glu481Gln (NM_007313.3); short protein forms E462Q, E481Q.
Identifiers: ClinVar variation 4538275 (VCV004538275.1).